The following is an entry in ClinVar:

ClinVar aggregate classification (germline): Conflicting classifications of pathogenicity. Review status: criteria provided, conflicting classifications (1 of 4 stars). 13 submissions from 13 submitters: Pathogenic (9); Likely pathogenic (1); Uncertain significance (2). 1 of the submissions does not count toward it. Last evaluated 2025-10-22.

Conditions:
RDH12-related disorder. Also called: RDH12-related condition; RDH12-related disorders.
Macular dystrophy. Identifiers: MedGen C0730292, HP:0007754.
Retinal dystrophy. Also called: Inherited retinal dystrophy. Identifiers: Orphanet 71862, MedGen C0854723, MeSH D058499, MONDO:0019118, HP:0000556.
Leber congenital amaurosis 13 (LCA13). Identifiers: MedGen C2675186, MONDO:0012990, OMIM 612712.
Leber congenital amaurosis (LCA). Also called: Leber's amaurosis. Identifiers: Orphanet 65, MedGen C0339527, MeSH D057130, MONDO:0018998.
Retinal disorder. Also called: Retinopathies; Retinal Diseases; Retinopathy; Retinal disorders. Identifiers: MedGen C0035309, MONDO:0005283, HP:0000488.

Allele frequency attached by ClinVar (database versions not stated): TOPMed 0.00006; gnomAD 0.00007 and 0.00010; gnomAD exomes 0.00009; ExAC 0.00010.
gnomAD v4.1: 67 of 1,610,986 alleles (0.0042%); highest among the groups gnomAD compares: Admixed American, 0.055%; no homozygotes.

Submissions (13):

Dasa
Classification: Pathogenic. Last evaluated: 2025-10-22. Review status: criteria provided, single submitter. Criteria: DASA Assertion Criteria. Collection method: clinical testing. Allele origin: germline.
Comment: NM_152443.3(RDH12):c.701G>A (p.Arg234His) is a missense variant that results in the substitution of arginine with histidine. This variant has been observed in affected individuals with related phenotype in a genotype context consistent with recessive disease (PMID: 16269441; PMID: 30979730; PMID: 32790509; PMID: 32014858; PMID: 38184646). Functional evidence supports a deleterious effect on the gene or gene product (PMID: 16269441; PMID: 30979730; PMID: 32790509; PMID: 32014858; PMID: 38184646). This variant has been recurrently observed in individuals with related phenotype (PMID: 16269441; PMID: 30979730; PMID: 32790509; PMID: 32014858; PMID: 38184646). The variant is present at low frequency in population datasets. Based on the available data, this variant is classified as pathogenic.

PreventionGenetics, part of Exact Sciences
Classification: Pathogenic for RDH12-related condition. Last evaluated: 2025-09-03. Review status: criteria provided, single submitter. Criteria: ACMG Guidelines, 2015. Collection method: clinical testing. Allele origin: germline.
Comment: The RDH12 c.701G>A variant is predicted to result in the amino acid substitution p.Arg234His. This variant has been reported in the homozygous and compound heterozygous states in multiple individuals with retinal dystrophy (see for example, Thompson et al. 2005. PubMed ID: 16269441; Ba-Abbad et al. 2020. PubMed ID: 32790509; Table S1, Schlottmann et al. 2023. PubMed ID: 37217489). This variant has been reported in the compound heterozygous state with a frameshift variant in RDH12 in three siblings with RDH12-related retinal dystrophy (De Zaeytijd et al. 2021. PubMed ID: 34001834). This variant is reported in 0.065% of alleles in individuals of Latino descent in gnomAD. An in vitro experimental study suggests this variant affects the catalytic activity of RDH12 to about 44% of wildtype activity (Thompson et al. 2005. PubMed ID: 16269441). This variant is interpreted as pathogenic.

Natera, Inc.
Classification: Pathogenic for Leber congenital amaurosis. Last evaluated: 2025-08-15. Review status: criteria provided, single submitter. Criteria: Natera Variant Classification Schema (03/2026). Collection method: clinical testing. Allele origin: germline.
Comment: The c.701G>A variant in RDH12 is a missense variant predicted to cause substitution of arginine to histidine at amino acid 234. This variant is rare in the general population with a frequency below the threshold expected for the associated phenotype(s). This variant has been observed in one or more individuals affected with the associated recessive disease, as either homozygous or compound heterozygous with a second variant (PMID: 37217489, 36909829, 36087940, 35994252, 35119454, 34001834, 30979730, 25412400). Additionally, this variant has been observed to segregate in affected family members (PMID: 34001834). Multiple computational prediction algorithms suggest this variant is unlikely to affect gene or protein function. Given the available evidence, this variant is classified as Pathogenic.

CeGaT Center for Human Genetics Tuebingen
Classification: Pathogenic. Last evaluated: 2025-01-01. Review status: criteria provided, single submitter. Criteria: CeGaT Center For Human Genetics Tuebingen Variant Classification Criteria Version 2. Collection method: clinical testing. Allele origin: germline. Affected: yes. Observed: 1 variant allele.
Comment: RDH12: PM3:Very Strong, PM2

Labcorp Genetics (formerly Invitae), Labcorp
Classification: Pathogenic for Leber congenital amaurosis 13. Last evaluated: 2024-09-23. Review status: criteria provided, single submitter. Criteria: Invitae Variant Classification Sherloc (09022015). Collection method: clinical testing. Allele origin: germline.
Comment: This sequence change replaces arginine, which is basic and polar, with histidine, which is basic and polar, at codon 234 of the RDH12 protein (p.Arg234His). This variant is present in population databases (rs750636662, gnomAD 0.06%). This missense change has been observed in individual(s) with autosomal recessive macular or retinal dystrophy (PMID: 19011012, 30979730; internal data). In at least one individual the data is consistent with being in trans (on the opposite chromosome) from a pathogenic variant. ClinVar contains an entry for this variant (Variation ID: 313842). Invitae Evidence Modeling of protein sequence and biophysical properties (such as structural, functional, and spatial information, amino acid conservation, physicochemical variation, residue mobility, and thermodynamic stability) indicates that this missense variant is not expected to disrupt RDH12 protein function with a negative predictive value of 80%. Experimental studies have shown that this missense change affects RDH12 function (PMID: 16269441). For these reasons, this variant has been classified as Pathogenic.

Fulgent Genetics
Classification: Pathogenic for Leber congenital amaurosis 13. Last evaluated: 2024-01-30. Review status: criteria provided, single submitter. Criteria: ACMG Guidelines, 2015. Collection method: clinical testing. Allele origin: germline.

Ophthalmic Genetics Group, Institute of Molecular and Clinical Ophthalmology Basel
Classification: Uncertain significance for Retinal dystrophy. Last evaluated: 2023-07-24. Review status: criteria provided, single submitter. Criteria: ACMG Guidelines, 2015. Collection method: research. Allele origin: germline. Affected: yes. Observed: 1 variant allele.
Comment: Clinical significance based on ACMG v2.0

This variant was classified as Uncertain significance based on ACMG criteria: PM2, PVS1.

Women's Health and Genetics/Laboratory Corporation of America, LabCorp
Classification: Pathogenic for Leber congenital amaurosis. Last evaluated: 2022-12-09. Review status: criteria provided, single submitter. Criteria: LabCorp Variant Classification Summary - May 2015. Collection method: clinical testing. Allele origin: germline.
Comment: Variant summary: RDH12 c.701G>A (p.Arg234His) results in a non-conservative amino acid change in the encoded protein sequence. Four of five in-silico tools predict a benign effect of the variant on protein function. The variant allele was found at a frequency of 9.2e-05 in 248732 control chromosomes. This frequency is not significantly higher than estimated for a pathogenic variant in RDH12 causing Leber Congenital Amaurosis (9.2e-05 vs 0.0016), allowing no conclusion about variant significance. c.701G>A has been reported in the literature as biallelic compound heterozygous genotypes in multiple individuals affected with features of RDH12-related retinal dystrophy (example, Thompson_2005, Valverde_2009, Mendez-Vidal_2014, Glockle_2014, Avila-Fernandez_2010, Martin-Merida_2019, Ba-Abbad_2020, De Zaeytijd_2021). These data indicate that the variant is very likely to be associated with disease. At least one publication reports experimental evidence evaluating an impact on protein function. The most pronounced variant effect results in 44% of normal retinoid reductase activity (Thompson_2005). A threshold effect resulting from co-inheritance with another loss of function (LOF) variant, combined with a reduction in p.R234H activity to less than half of wild-type, resulting in insufficient RDH12 enzyme levels for normal visual cycle function has been proposed (Thompson_2005). Six clinical diagnostic laboratories have submitted clinical-significance assessments for this variant to ClinVar after 2014 without evidence for independent evaluation. Multiple laboratories reported the variant with conflicting assessments (P/LP, n=3; VUS, n=3). Based on the evidence outlined above, the variant was classified as pathogenic.

Blueprint Genetics
Classification: Pathogenic for RDH12-related disorders. Last evaluated: 2022-11-01. Review status: criteria provided, single submitter. Criteria: ACMG Guidelines, 2015. Collection method: clinical testing. Allele origin: germline. Affected: yes. Observed: 5 variant alleles.

Mendelics
Classification: Likely pathogenic for Leber congenital amaurosis 13. Last evaluated: 2022-05-04. Review status: criteria provided, single submitter. Criteria: Mendelics Assertion Criteria 2019. Collection method: clinical testing. Allele origin: germline.

AURAGEN, Plan France Médecine Génomique
Classification: Pathogenic for Retinal disorder. Last evaluated: 2022-02-14. Review status: criteria provided, single submitter. Criteria: PFMG2025 (Lancet Reg Health Eur. 2025). Collection method: clinical testing. Allele origin: germline. Affected: yes.

GeneDx
Classification: Uncertain significance. Last evaluated: 2019-12-04. Review status: criteria provided, single submitter. Criteria: GeneDx Variant Classification Process June 2021. Collection method: clinical testing. Allele origin: germline. Affected: yes.
Comment: In silico analysis, which includes protein predictors and evolutionary conservation, supports that this variant does not alter protein structure/function; In vitro functional studies demonstrated that R234H retained 44% enzyme activity level compared to wild type (Thompson et al., 2005); Observed with a missense variant on the opposite allele (in trans) in individuals with retinal dystrophy in published literature (Thompson et al., 2005; Avila-Fernandez et al., 2010; Consugar et al., 2015); This variant is associated with the following publications: (PMID: 25412400, 16269441, 19011012, 21151602, 25494902, 32790509)

Ocular Genomics Institute, Massachusetts Eye and Ear
Classification: Likely pathogenic for Macular dystrophy. Last evaluated: 2019-08-01. Review status: no assertion criteria provided. Collection method: clinical testing. Allele origin: germline. Affected: yes. Observed: 2 variant alleles. Not counted in ClinVar's aggregate classification.

Literature cited by the submitters: PubMed 16269441 (cited by 3 submitters); PubMed 30979730 (cited by 3 submitters); PubMed 32790509 (cited by Dasa and Women's Health and Genetics/Laboratory Corporation of America, LabCorp); PubMed 32014858 (cited by Dasa); PubMed 38184646 (cited by Dasa); PubMed 37714431 (cited by Dasa); PubMed 37217489 (cited by Natera, Inc.); PubMed 36909829 (cited by Natera, Inc. and Ophthalmic Genetics Group, Institute of Molecular and Clinical Ophthalmology Basel); PubMed 36087940 (cited by Natera, Inc.); PubMed 35994252 (cited by Natera, Inc.); PubMed 35119454 (cited by Natera, Inc.); PubMed 34001834 (cited by Natera, Inc. and Women's Health and Genetics/Laboratory Corporation of America, LabCorp); PubMed 25412400 (cited by Natera, Inc.); PubMed 19011012 (cited by Labcorp Genetics (formerly Invitae), Labcorp and Women's Health and Genetics/Laboratory Corporation of America, LabCorp); PubMed 23591405 (cited by Women's Health and Genetics/Laboratory Corporation of America, LabCorp); PubMed 30902645 (cited by Women's Health and Genetics/Laboratory Corporation of America, LabCorp); PubMed 21151602 (cited by Women's Health and Genetics/Laboratory Corporation of America, LabCorp); PubMed 25494902 (cited by Women's Health and Genetics/Laboratory Corporation of America, LabCorp); PubMed 17512964 (cited by Women's Health and Genetics/Laboratory Corporation of America, LabCorp).

NM_152443.3(RDH12):c.701G>A (p.Arg234His)

Genes: GPHN (gephyrin; plus strand), RDH12 (retinol dehydrogenase 12; plus strand), ZFYVE26 (zinc finger FYVE-type containing 26; minus strand). Cytogenetic location: 14q24.1.
Variant type: single nucleotide variant.
Coding change: c.701G>A on transcript NM_152443.3 (MANE Select); coding-DNA position 701, G replaced by A.
Protein change: p.Arg234His; replaces arginine 234 with histidine.
Molecular consequence: missense variant.
Genome position (GRCh38, 1-based): chr14:67,729,233, G>A. VCF-style: chr14-67729233-G-A. GRCh37 (hg19) VCF-style: chr14-68195950-G-A.
Other names: NP_689656.2:p.(Arg234His); short protein forms R234H.
Identifiers: ClinVar variation 313842 (VCV000313842.39), dbSNP rs750636662, ClinGen allele CA7238798.